The following is an entry in ClinVar:

ClinVar aggregate classification (germline): Uncertain significance (1 of 4 stars; one submission).

Conditions:
ADNP-related multiple congenital anomalies - intellectual disability - autism spectrum disorder. Also called: Helsmoortel-Van der Aa Syndrome; ADNP-Related Helsmoortel-Van der Aa Syndrome. Identifiers: Orphanet 404448, MedGen C4014538, MONDO:0014379, OMIM 615873. Disease mechanism: loss of function.

Submission:

Victorian Clinical Genetics Services, Murdoch Childrens Research Institute
Classification: Uncertain significance for ADNP-related multiple congenital anomalies - intellectual disability - autism spectrum disorder. Last evaluated: 2026-05-19. Review status: criteria provided, single submitter. Criteria: ACMG Guidelines, 2015. Collection method: clinical testing. Allele origin: germline. Affected: yes.
Comment: This variant is classified as VUS-3A. Evidence in support of pathogenic classification: Variant is absent from gnomAD (v2, v3 and v4); Missense variant predicted to be damaging by in silico tool(s) or highly conserved with a major amino acid change. Additional information: Variant is predicted to result in a missense amino acid change from Phe to Leu; This variant is heterozygous; This gene is associated with autosomal dominant disease; This variant has no previous evidence of pathogenicity; No published evidence of segregation with disease has been identified for this variant; No published functional evidence has been identified for this variant; No comparable missense variants have previous evidence for pathogenicity; Variant is located in the annotated homeodomain (DECIPHER). - Loss of function is a known mechanism of disease in this gene and is associated with Helsmoortel-van der Aa syndrome (MIM#615873); The condition associated with this gene has incomplete penetrance. Two individuals with ADNP-related disorders have been reported to have inherited a pathogenic variant from an unaffected parent (PMID: 29724491).

Literature cited by the submitters: PubMed 29724491.

NM_001282531.3(ADNP):c.2308T>C (p.Phe770Leu)

Gene: ADNP (activity dependent neuroprotector homeobox; minus strand). Cytogenetic location: 20q13.13.
Variant type: single nucleotide variant.
Coding change: c.2308T>C on transcript NM_001282531.3 (MANE Select); coding-DNA position 2308, T replaced by C.
Protein change: p.Phe770Leu; replaces phenylalanine 770 with leucine.
Molecular consequence: missense variant.
Genome position (GRCh38, 1-based): chr20:50,892,406, A>G on the plus strand (T>C on the coding strand, the complement: ADNP is on the minus strand). VCF-style: chr20-50892406-A-G. GRCh37 (hg19) VCF-style: chr20-49508943-A-G.
Other names: c.2524T>C, p.Phe842Leu (NM_001439000.1); c.1624T>C, p.Phe542Leu (NM_001439001.1); c.2308T>C, p.Phe770Leu (NM_015339.5, NM_181442.4, NM_001282532.2 and 1 more transcripts); short protein forms F542L, F770L, F842L.
Identifiers: ClinVar variation 4531757 (VCV004531757.2).